The following is an entry in ClinVar:

NM_004380.3(CREBBP):c.237C>A (p.Gly79=)

Gene: CREBBP (CREB binding lysine acetyltransferase; minus strand). Cytogenetic location: 16p13.3.
Variant type: single nucleotide variant.
Coding change: c.237C>A on transcript NM_004380.3 (MANE Select); coding-DNA position 237, C replaced by A.
Protein change: p.Gly79=; no amino-acid change (glycine 79 retained).
Molecular consequence: synonymous variant.
Genome position (GRCh38, 1-based): chr16:3,850,858, G>T on the plus strand (C>A on the coding strand, the complement: CREBBP is on the minus strand). VCF-style: chr16-3850858-G-T. GRCh37 (hg19) VCF-style: chr16-3900859-G-T.
Other names: c.237C>A, p.Gly79= (NM_001079846.1).
Identifiers: ClinVar variation 3355998 (VCV003355998.1).
Genomic context (GRCh38, chr16:3,850,858, plus strand): 5'-CAGGCCCTGCTGCACGGGGCTGCTGGCGCTCACATTTCCTATTCCTGGGTTGATACTAGA[G>T]CCGCTGCCTCCTCGTAGAAGCTCCGACAGTTGTTTATGTTTGGAAGCAGCATCTGGAACA-3'
Protein context (NP_004371.2, residues 69-89): QLSELLRGGS[Gly79=]SSINPGIGNV

ClinVar aggregate classification (germline): Likely benign (0 of 4 stars; one submission).

Conditions:
CREBBP-related disorder. Also called: CREBBP-related condition; CREBBP-related disorders.

Submission:

PreventionGenetics, part of Exact Sciences
Classification: Likely benign for CREBBP-related condition. Last evaluated: 2023-01-03. Review status: no assertion criteria provided. Collection method: clinical testing. Allele origin: germline.
Comment: This variant is classified as likely benign based on ACMG/AMP sequence variant interpretation guidelines (Richards et al. 2015 PMID: 25741868, with internal and published modifications).